The following is an entry in ClinVar:

ClinVar aggregate classification (germline): Uncertain significance. Review status: criteria provided, multiple submitters, no conflicts (2 of 4 stars). 2 submissions from 2 submitters: Uncertain significance (2). Last evaluated 2025-06-16.

Conditions:
Inborn genetic diseases. Identifiers: MedGen C0950123, MeSH D030342.

Allele frequency attached by ClinVar (database versions not stated): gnomAD exomes 0.00001; ExAC 0.00002; gnomAD 0.00006 and 0.00007; ESP Exome Variant Server 0.00008; TOPMed 0.00012.
gnomAD v4.1: 20 of 1,614,106 alleles (0.0012%); highest among the groups gnomAD compares: African/African-American, 0.025%; no homozygotes.

Submissions (2):

Labcorp Genetics (formerly Invitae), Labcorp
Classification: Uncertain significance. Last evaluated: 2025-06-16. Review status: criteria provided, single submitter. Criteria: Invitae Variant Classification Sherloc (09022015). Collection method: clinical testing. Allele origin: germline.
Comment: This sequence change replaces serine, which is neutral and polar, with cysteine, which is neutral and slightly polar, at codon 258 of the NLRP1 protein (p.Ser258Cys). This variant is present in population databases (rs142728498, gnomAD 0.02%). This variant has not been reported in the literature in individuals affected with NLRP1-related conditions. ClinVar contains an entry for this variant (Variation ID: 1436047). An algorithm developed to predict the effect of missense changes on protein structure and function (PolyPhen-2) suggests that this variant is likely to be tolerated. In summary, the available evidence is currently insufficient to determine the role of this variant in disease. Therefore, it has been classified as a Variant of Uncertain Significance.

Ambry Genetics
Classification: Uncertain significance for Inborn genetic diseases. Last evaluated: 2022-10-06. Review status: criteria provided, single submitter. Criteria: Ambry Variant Classification Scheme 2023. Collection method: clinical testing. Allele origin: germline.

NM_033004.4(NLRP1):c.773C>G (p.Ser258Cys)

Gene: NLRP1 (NLR family pyrin domain containing 1; minus strand). Cytogenetic location: 17p13.2.
Variant type: single nucleotide variant.
Coding change: c.773C>G on transcript NM_033004.4 (MANE Select); coding-DNA position 773, C replaced by G.
Protein change: p.Ser258Cys; replaces serine 258 with cysteine.
Molecular consequence: missense variant.
Genome position (GRCh38, 1-based): chr17:5,559,923, G>C on the plus strand (C>G on the coding strand, the complement: NLRP1 is on the minus strand). VCF-style: chr17-5559923-G-C. GRCh37 (hg19) VCF-style: chr17-5463243-G-C.
Other names: c.773C>G, p.Ser258Cys (NM_001033053.3, NM_014922.5, NM_033006.4 and 1 more transcripts); c.773C>G (NM_033004.3); short protein forms S258C.
Identifiers: ClinVar variation 1436047 (VCV001436047.9), dbSNP rs142728498, ClinGen allele CA8327485.